The following is an entry in ClinVar:

NM_015895.5(GMNN):c.541G>A (p.Val181Ile)

Gene: GMNN (geminin DNA replication inhibitor; plus strand). Cytogenetic location: 6p22.3.
Variant type: single nucleotide variant.
Coding change: c.541G>A on transcript NM_015895.5 (MANE Select); coding-DNA position 541, G replaced by A.
Protein change: p.Val181Ile; replaces valine 181 with isoleucine.
Molecular consequence: missense variant.
Genome position (GRCh38, 1-based): chr6:24,785,710, G>A. VCF-style: chr6-24785710-G-A. GRCh37 (hg19) VCF-style: chr6-24785938-G-A.
Other names: c.541G>A, p.Val181Ile (NM_001251989.2, NM_001251990.2, NM_001251991.1); short protein forms V181I.
Identifiers: ClinVar variation 4693145 (VCV004693145.1).

ClinVar aggregate classification (germline): Uncertain significance (1 of 4 stars; one submission).

gnomAD v4.1: 1 of 1,564,276 alleles (0.000064%); highest among the groups gnomAD compares: Non-Finnish European, 0.000088%; no homozygotes.

Submission:

Labcorp Genetics (formerly Invitae), Labcorp
Classification: Uncertain significance. Last evaluated: 2025-06-20. Review status: criteria provided, single submitter. Criteria: Invitae Variant Classification Sherloc (09022015). Collection method: clinical testing. Allele origin: germline.
Comment: This sequence change replaces valine, which is neutral and non-polar, with isoleucine, which is neutral and non-polar, at codon 181 of the GMNN protein (p.Val181Ile). This variant is not present in population databases (gnomAD no frequency). This variant has not been reported in the literature in individuals affected with GMNN-related conditions. An algorithm developed to predict the effect of missense changes on protein structure and function (PolyPhen-2) suggests that this variant is likely to be tolerated. In summary, the available evidence is currently insufficient to determine the role of this variant in disease. Therefore, it has been classified as a Variant of Uncertain Significance.